The following is an entry in ClinVar:

NM_000384.3(APOB):c.6871G>A (p.Ala2291Thr)

Gene: APOB (apolipoprotein B; minus strand). Cytogenetic location: 2p24.1.
Variant type: single nucleotide variant.
Coding change: c.6871G>A on transcript NM_000384.3 (MANE Select); coding-DNA position 6871, G replaced by A.
Protein change: p.Ala2291Thr; replaces alanine 2291 with threonine.
Molecular consequence: missense variant.
Genome position (GRCh38, 1-based): chr2:21,009,997, C>T on the plus strand (G>A on the coding strand, the complement: APOB is on the minus strand). VCF-style: chr2-21009997-C-T. GRCh37 (hg19) VCF-style: chr2-21232869-C-T.
Other names: short protein forms A2291T.
Identifiers: ClinVar variation 947896 (VCV000947896.12), dbSNP rs1663261883, ClinGen allele CA346000416.
Genomic context (GRCh38, chr2:21,009,997, plus strand): 5'-TTATTCTTTCAAATGAAATTGTAGTTCCCAATTGATCTAAAAGCACTCTAACATCAATAG[C>T]CTCAATGTGTTGTTTTAACTTTCCAGCTAGGTGCTGGATGTCTATATTCTGTATGTGTCT-3'
Protein context (NP_000375.3, residues 2281-2301): LAGKLKQHIE[Ala2291Thr]IDVRVLLDQL

ClinVar aggregate classification (germline): Uncertain significance (1 of 4 stars; one submission).

Conditions:
Familial hypobetalipoproteinemia 1. Also called: Hypobetalipoproteinemia, normotriglyceridemic; Acanthocytosis with hypobetalipoproteinemia; APOB-Related Familial Hypobetalipoproteinemia. Identifiers: MedGen C4551990, MONDO:0014252, OMIM 615558.
Hypercholesterolemia, autosomal dominant, type B (FHCL2). Also called: Familial Hypercholesterolemia Type B; HYPERCHOLESTEROLEMIA, FAMILIAL, DUE TO LIGAND-DEFECTIVE APOLIPOPROTEIN B; Familial hypercholesterolemia 2; APOB-Related Familial Hypercholesterolemia, Autosomal Dominant; APOLIPOPROTEIN B-100, FAMILIAL DEFECTIVE; APOLIPOPROTEIN B-100, FAMILIAL LIGAND-DEFECTIVE. Identifiers: MedGen C1704417, MONDO:0007751, OMIM 144010.

Allele frequency attached by ClinVar (database versions not stated): gnomAD exomes below 0.00001.
gnomAD v4.1: 1 of 1,613,724 alleles (0.000062%); highest among the groups gnomAD compares: Non-Finnish European, 0.000085%; no homozygotes.

Submission:

Labcorp Genetics (formerly Invitae), Labcorp
Classification: Uncertain significance for Familial hypobetalipoproteinemia 1; Hypercholesterolemia, autosomal dominant, type B. Last evaluated: 2023-10-03. Review status: criteria provided, single submitter. Criteria: Invitae Variant Classification Sherloc (09022015). Collection method: clinical testing. Allele origin: germline.
Comment: This sequence change replaces alanine, which is neutral and non-polar, with threonine, which is neutral and polar, at codon 2291 of the APOB protein (p.Ala2291Thr). This variant is not present in population databases (gnomAD no frequency). This variant has not been reported in the literature in individuals affected with APOB-related conditions. ClinVar contains an entry for this variant (Variation ID: 947896). Advanced modeling of protein sequence and biophysical properties (such as structural, functional, and spatial information, amino acid conservation, physicochemical variation, residue mobility, and thermodynamic stability) performed at Invitae indicates that this missense variant is not expected to disrupt APOB protein function. In summary, the available evidence is currently insufficient to determine the role of this variant in disease. Therefore, it has been classified as a Variant of Uncertain Significance.